The following is an entry in ClinVar:

NM_005159.5(ACTC1):c.910G>A (p.Gly304Ser)

Genes: ACTC1 (actin alpha cardiac muscle 1; minus strand), GJD2-DT (GJD2 divergent transcript; plus strand). Cytogenetic location: 15q14.
Variant type: single nucleotide variant.
Coding change: c.910G>A on transcript NM_005159.5 (MANE Select); coding-DNA position 910, G replaced by A.
Protein change: p.Gly304Ser; replaces glycine 304 with serine.
Molecular consequence: missense variant.
Genome position (GRCh38, 1-based): chr15:34,791,194, C>T on the plus strand (G>A on the coding strand, the complement: ACTC1 is on the minus strand). VCF-style: chr15-34791194-C-T. GRCh37 (hg19) VCF-style: chr15-35083395-C-T.
Other names: c.910G>A, p.Gly304Ser (NM_001406482.1, NM_001406483.1); c.775G>A, p.Gly259Ser (NM_001406484.1); c.469G>A, p.Gly157Ser (NM_001406485.1); short protein forms G304S, G157S, G259S.
Identifiers: ClinVar variation 4844294 (VCV004844294.1).

ClinVar aggregate classification (germline): Uncertain significance (1 of 4 stars; one submission).

Conditions:
Cardiovascular phenotype. Identifiers: MedGen CN230736.

Submission:

Ambry Genetics
Classification: Uncertain significance for Cardiovascular phenotype. Last evaluated: 2026-02-14. Review status: criteria provided, single submitter. Criteria: Ambry Variant Classification Scheme 2023. Collection method: clinical testing. Allele origin: germline.
Comment: The p.G304S variant (also known as c.910G>A), located in coding exon 5 of the ACTC1 gene, results from a G to A substitution at nucleotide position 910. The glycine at codon 304 is replaced by serine, an amino acid with similar properties. This amino acid position is conserved. In addition, this alteration is predicted to be deleterious by in silico analysis. Based on the available evidence, the clinical significance of this variant remains unclear.